The following is an entry in ClinVar:

NM_020975.6(RET):c.161A>G (p.His54Arg)

Gene: RET (ret proto-oncogene; plus strand). Cytogenetic location: 10q11.21.
Variant type: single nucleotide variant.
Coding change: c.161A>G on transcript NM_020975.6 (MANE Select); coding-DNA position 161, A replaced by G.
Protein change: p.His54Arg; replaces histidine 54 with arginine.
Molecular consequence: missense variant.
Genome position (GRCh38, 1-based): chr10:43,100,546, A>G. VCF-style: chr10-43100546-A-G. GRCh37 (hg19) VCF-style: chr10-43595994-A-G.
Other names: c.161A>G, p.His54Arg (NM_000323.2, NM_001406743.1, NM_001406744.1 and 34 more transcripts); short protein forms H54R.
Identifiers: ClinVar variation 1406391 (VCV001406391.13), dbSNP rs756858300, ClinGen allele CA034670.

ClinVar aggregate classification (germline): Uncertain significance. Review status: criteria provided, multiple submitters, no conflicts (2 of 4 stars). 4 submissions from 4 submitters: Uncertain significance (4). Last evaluated 2025-01-05.

Conditions:
Hereditary cancer-predisposing syndrome. Also called: Hereditary neoplastic syndrome; Hereditary Cancer Syndrome; Neoplastic Syndromes, Hereditary; Tumor predisposition. Identifiers: Orphanet 140162, MedGen C0027672, MeSH D009386, MONDO:0015356.
Multiple endocrine neoplasia, type 2 (MEN2). Identifiers: Orphanet 653, MedGen C4048306, MONDO:0019003. Disease mechanism: gain of function.

Allele frequency attached by ClinVar (database versions not stated): gnomAD exomes below 0.00001; ExAC 0.00001.
gnomAD v4.1: 1 of 1,613,922 alleles (0.000062%); highest among the groups gnomAD compares: Non-Finnish European, 0.000085%; no homozygotes.

Submissions (4):

Labcorp Genetics (formerly Invitae), Labcorp
Classification: Uncertain significance for Multiple endocrine neoplasia, type 2. Last evaluated: 2025-01-05. Review status: criteria provided, single submitter. Criteria: Invitae Variant Classification Sherloc (09022015). Collection method: clinical testing. Allele origin: germline.
Comment: This sequence change replaces histidine, which is basic and polar, with arginine, which is basic and polar, at codon 54 of the RET protein (p.His54Arg). The frequency data for this variant in the population databases is considered unreliable, as metrics indicate poor data quality at this position in the gnomAD database. This variant has not been reported in the literature in individuals affected with RET-related conditions. ClinVar contains an entry for this variant (Variation ID: 1406391). An algorithm developed to predict the effect of missense changes on protein structure and function (PolyPhen-2) suggests that this variant¬†is likely to be tolerated. In summary, the available evidence is currently insufficient to determine the role of this variant in disease. Therefore, it has been classified as a Variant of Uncertain Significance.

Ambry Genetics
Classification: Uncertain significance for Hereditary cancer-predisposing syndrome. Last evaluated: 2024-12-05. Review status: criteria provided, single submitter. Criteria: Ambry Variant Classification Scheme 2023. Collection method: clinical testing. Allele origin: germline.
Comment: The p.H54R variant (also known as c.161A>G), located in coding exon 2 of the RET gene, results from an A to G substitution at nucleotide position 161. The histidine at codon 54 is replaced by arginine, an amino acid with highly similar properties. This amino acid position is well conserved in available vertebrate species. In addition, this alteration is predicted to be tolerated by in silico analysis. Based on the available evidence, the clinical significance of this variant remains unclear.

All of Us Research Program, National Institutes of Health
Classification: Uncertain significance for Multiple endocrine neoplasia, type 2. Last evaluated: 2024-05-14. Review status: criteria provided, single submitter. Criteria: ACMG Guidelines, 2015. Collection method: clinical testing. Allele origin: germline. Inheritance: Autosomal dominant inheritance. Observed: 2 variant alleles, 2 heterozygotes.
Comment: This missense variant replaces histidine with arginine at codon 54 of the RET protein. Computational prediction suggests that this variant may not impact protein structure and function. To our knowledge, functional studies have not been reported for this variant. This variant has not been reported in individuals affected with RET-related disorders in the literature. This variant has been identified in 1/250912 chromosomes in the general population by the Genome Aggregation Database (gnomAD). The available evidence is insufficient to determine the role of this variant in disease conclusively. Therefore, this variant is classified as a Variant of Uncertain Significance.

This study involves interpretation of variants in research participants for the purpose of population health screening. Participant phenotype was not available at the time of variant classification. Additional details can be found in publication PMID: 35346344, PMCID: PMC8962531

GeneDx
Classification: Uncertain significance. Last evaluated: 2023-04-11. Review status: criteria provided, single submitter. Criteria: GeneDx Variant Classification Process June 2021. Collection method: clinical testing. Allele origin: germline. Affected: yes.
Comment: Not observed at significant frequency in large population cohorts (gnomAD); In silico analysis supports that this missense variant does not alter protein structure/function; Has not been previously published as pathogenic or benign to our knowledge; This variant is associated with the following publications: (PMID: 14633923)